The following is an entry in ClinVar:

NM_001350162.2(TEX15):c.7118G>A (p.Ser2373Asn)

Gene: TEX15 (testis expressed 15, meiosis and synapsis associated; minus strand). Cytogenetic location: 8p12.
Variant type: single nucleotide variant.
Coding change: c.7118G>A on transcript NM_001350162.2 (MANE Select); coding-DNA position 7118, G replaced by A.
Protein change: p.Ser2373Asn; replaces serine 2373 with asparagine.
Molecular consequence: missense variant.
Genome position (GRCh38, 1-based): chr8:30,843,049, C>T on the plus strand (G>A on the coding strand, the complement: TEX15 is on the minus strand). VCF-style: chr8-30843049-C-T. GRCh37 (hg19) VCF-style: chr8-30700565-C-T.
Other names: c.5969G>A (NM_031271.3); short protein forms S2373N.
Identifiers: ClinVar variation 684769 (VCV000684769.28), dbSNP rs61738844, ClinGen allele CA4702563.

ClinVar aggregate classification (germline): Benign/Likely benign. Review status: criteria provided, multiple submitters, no conflicts (2 of 4 stars). 4 submissions from 4 submitters: Benign (1); Likely benign (2). 1 of the submissions does not count toward it. Last evaluated 2026-04-01.

Conditions:
Non-obstructive azoospermia. Identifiers: MedGen C4021107, HP:0011961.
TEX15-related disorder. Also called: TEX15-related condition.

Allele frequency attached by ClinVar (database versions not stated): 1000 Genomes Project 0.00599; 1000 Genomes Project 30x 0.00671; TOPMed 0.01536; gnomAD 0.01548 and 0.01620; gnomAD exomes 0.01639 and 0.02219; ExAC 0.01687; ESP Exome Variant Server 0.01793.
gnomAD v4.1: 34,677 of 1,613,438 alleles (2.1%); highest among the groups gnomAD compares: Non-Finnish European, 2.6%; 445 homozygotes.

Submissions (4):

CeGaT Center for Human Genetics Tuebingen
Classification: Benign. Last evaluated: 2026-04-01. Review status: criteria provided, single submitter. Criteria: CeGaT Center For Human Genetics Tuebingen Variant Classification Criteria Version 2. Collection method: clinical testing. Allele origin: germline. Affected: yes. Observed: 10 variant alleles.
Comment: TEX15: BP4, BS1, BS2

Institute of Reproductive Genetics, University of Münster
Classification: Likely benign for Non-obstructive azoospermia. Last evaluated: 2020-06-07. Review status: criteria provided, single submitter. Criteria: ACMG Guidelines, 2015. Collection method: research. Allele origin: unknown. Affected: yes. Observed: 1 variant allele.

Breakthrough Genomics
Classification: Likely benign. Review status: criteria provided, single submitter. Criteria: ACMG Guidelines, 2015. Collection method: not provided. Allele origin: germline. Inheritance: Autosomal recessive inheritance. Affected: yes.

PreventionGenetics, part of Exact Sciences
Classification: Likely benign for TEX15-related condition. Last evaluated: 2024-05-29. Review status: no assertion criteria provided. Collection method: clinical testing. Allele origin: germline. Not counted in ClinVar's aggregate classification.
Comment: This variant is classified as likely benign based on ACMG/AMP sequence variant interpretation guidelines (Richards et al. 2015 PMID: 25741868, with internal and published modifications).

Literature cited by the submitters: PubMed 31479588 (cited by Institute of Reproductive Genetics, University of Münster).